The following is an entry in ClinVar:

ClinVar aggregate classification (germline): Pathogenic (1 of 4 stars; one submission).

Submission:

Labcorp Genetics (formerly Invitae), Labcorp
Classification: Pathogenic. Last evaluated: 2023-10-13. Review status: criteria provided, single submitter. Criteria: Invitae Variant Classification Sherloc (09022015). Collection method: clinical testing. Allele origin: germline.
Comment: This sequence change creates a premature translational stop signal (p.Gly420Trpfs*8) in the ALPL gene. While this is not anticipated to result in nonsense mediated decay, it is expected to disrupt the last 105 amino acid(s) of the ALPL protein. This variant is not present in population databases (gnomAD no frequency). This variant has not been reported in the literature in individuals affected with ALPL-related conditions. This variant disrupts a region of the ALPL protein in which other variant(s) (p.Leu520Argfs*86) have been determined to be pathogenic (PMID: 7833929, 9814472, 15660230, 15794757, 24334170, 28802630). This suggests that this is a clinically significant region of the protein, and that variants that disrupt it are likely to be disease-causing. For these reasons, this variant has been classified as Pathogenic.

Literature cited by the submitters: PubMed 7833929; PubMed 9814472; PubMed 15660230; PubMed 15794757; PubMed 24334170; PubMed 28802630.

NM_000478.6(ALPL):c.1257dup (p.Gly420fs)

Gene: ALPL (alkaline phosphatase, biomineralization associated; plus strand). Cytogenetic location: 1p36.12.
Variant type: Duplication.
Coding change: c.1257dup on transcript NM_000478.6 (MANE Select); coding-DNA position 1257, one base duplicated (T; older notation c.1257dupT).
Protein change: p.Gly420fs; shifts the reading frame from glycine 420.
Molecular consequence: frameshift variant.
Genome position (GRCh38, 1-based): chr1:21,576,589, T duplicated. VCF-style (leftmost placement, unchanged base first): chr1-21576588-C-CT. GRCh37 (hg19) VCF-style: chr1-21903081-C-CT.
Other names: c.1257dup, p.Gly420fs (NM_001369804.2, NM_001369805.2, NM_001369803.2); c.1092dup, p.Gly365fs (NM_001127501.4); c.1026dup, p.Gly343fs (NM_001177520.3); short protein forms G365fs, G343fs, G420fs.
Identifiers: ClinVar variation 2767913 (VCV002767913.3), dbSNP rs2545347477, ClinGen allele CA2697552241.
Genomic context (GRCh38, chr1:21,576,588, plus strand): 5'-CCCCCATGCTGAGTGACACAGACAAGAAGCCCTTCACTGCCATCCTGTATGGCAATGGGC[C>CT]TGGCTACAAGGTGGTGGGCGGTGAACGAGAGAATGTCTCCATGGTGGACTATGGTGAGAC-3'